The following is an entry in ClinVar:

NM_020461.4(TUBGCP6):c.1331G>A (p.Arg444Gln)

Gene: TUBGCP6 (tubulin gamma complex component 6; minus strand). Cytogenetic location: 22q13.33.
Variant type: single nucleotide variant.
Coding change: c.1331G>A on transcript NM_020461.4 (MANE Select); coding-DNA position 1331, G replaced by A.
Protein change: p.Arg444Gln; replaces arginine 444 with glutamine.
Molecular consequence: missense variant.
Genome position (GRCh38, 1-based): chr22:50,227,988, C>T on the plus strand (G>A on the coding strand, the complement: TUBGCP6 is on the minus strand). VCF-style: chr22-50227988-C-T. GRCh37 (hg19) VCF-style: chr22-50666417-C-T.
Other names: short protein forms R444Q.
Identifiers: ClinVar variation 1942658 (VCV001942658.2), dbSNP rs918563649, ClinGen allele CA325468189.

ClinVar aggregate classification (germline): Uncertain significance (1 of 4 stars; one submission).

Allele frequency attached by ClinVar (database versions not stated): gnomAD 0.00002; TOPMed 0.00002.
gnomAD v4.1: 18 of 1,570,006 alleles (0.0011%); highest among the groups gnomAD compares: African/African-American, 0.0027%; no homozygotes.

Submission:

Labcorp Genetics (formerly Invitae), Labcorp
Classification: Uncertain significance. Last evaluated: 2022-05-03. Review status: criteria provided, single submitter. Criteria: Invitae Variant Classification Sherloc (09022015). Collection method: clinical testing. Allele origin: germline.
Comment: This sequence change replaces arginine, which is basic and polar, with glutamine, which is neutral and polar, at codon 444 of the TUBGCP6 protein (p.Arg444Gln). This variant is present in population databases (no rsID available, gnomAD 0.007%). This variant has not been reported in the literature in individuals affected with TUBGCP6-related conditions. Algorithms developed to predict the effect of missense changes on protein structure and function are either unavailable or do not agree on the potential impact of this missense change (SIFT: "Deleterious"; PolyPhen-2: "Probably Damaging"; Align-GVGD: "Class C0"). In summary, the available evidence is currently insufficient to determine the role of this variant in disease. Therefore, it has been classified as a Variant of Uncertain Significance.